The following is an entry in ClinVar:

ClinVar aggregate classification (germline): Uncertain significance. Review status: criteria provided, multiple submitters, no conflicts (2 of 4 stars). 7 submissions from 7 submitters: Uncertain significance (7). Last evaluated 2024-12-21.

Conditions:
Cardiovascular phenotype. Identifiers: MedGen CN230736.
Cholestanol storage disease (CTX). Also called: CEREBRAL CHOLESTERINOSIS; CTX: Cerebrotendinous xanthomatosis; Cerebrotendinous Xanthomatosis. Identifiers: Orphanet 909, MedGen C0238052, MONDO:0008948, OMIM 213700.

Allele frequency attached by ClinVar (database versions not stated): gnomAD exomes 0.00001 and 0.00004; ExAC 0.00002; gnomAD 0.00003; TOPMed 0.00003; ESP Exome Variant Server 0.00015.
gnomAD v4.1: 63 of 1,614,120 alleles (0.0039%); highest among the groups gnomAD compares: Non-Finnish European, 0.0053%; no homozygotes.

Submissions (7):

GeneDx
Classification: Uncertain significance. Last evaluated: 2024-12-21. Review status: criteria provided, single submitter. Criteria: GeneDx Variant Classification Process June 2021. Collection method: clinical testing. Allele origin: germline.
Comment: In silico analysis indicates that this missense variant does not alter protein structure/function; Has not been previously published as pathogenic or benign to our knowledge

Mayo Clinic Laboratories, Mayo Clinic
Classification: Uncertain significance. Last evaluated: 2023-08-18. Review status: criteria provided, single submitter. Criteria: ACMG Guidelines, 2015. Collection method: clinical testing. Allele origin: germline. Observed: 1 variant allele.
Comment: BP4, PM2_moderate

Ambry Genetics
Classification: Uncertain significance for Cardiovascular phenotype. Last evaluated: 2022-12-16. Review status: criteria provided, single submitter. Criteria: Ambry Variant Classification Scheme 2023. Collection method: clinical testing. Allele origin: germline.
Comment: The p.L81M variant (also known as c.241C>A), located in coding exon 1 of the CYP27A1 gene, results from a C to A substitution at nucleotide position 241. The leucine at codon 81 is replaced by methionine, an amino acid with highly similar properties. This amino acid position is conserved. In addition, this alteration is predicted to be tolerated by in silico analysis. Since supporting evidence is limited at this time, the clinical significance of this alteration remains unclear.

Labcorp Genetics (formerly Invitae), Labcorp
Classification: Uncertain significance for Cholestanol storage disease. Last evaluated: 2022-06-24. Review status: criteria provided, single submitter. Criteria: Invitae Variant Classification Sherloc (09022015). Collection method: clinical testing. Allele origin: germline.
Comment: This sequence change replaces leucine, which is neutral and non-polar, with methionine, which is neutral and non-polar, at codon 81 of the CYP27A1 protein (p.Leu81Met). This variant is present in population databases (rs370498798, gnomAD 0.003%). This variant has not been reported in the literature in individuals affected with CYP27A1-related conditions. ClinVar contains an entry for this variant (Variation ID: 287315). Advanced modeling of protein sequence and biophysical properties (such as structural, functional, and spatial information, amino acid conservation, physicochemical variation, residue mobility, and thermodynamic stability) performed at Invitae indicates that this missense variant is not expected to disrupt CYP27A1 protein function. In summary, the available evidence is currently insufficient to determine the role of this variant in disease. Therefore, it has been classified as a Variant of Uncertain Significance.

Fulgent Genetics
Classification: Uncertain significance for Cholestanol storage disease. Last evaluated: 2022-04-08. Review status: criteria provided, single submitter. Criteria: ACMG Guidelines, 2015. Collection method: clinical testing. Allele origin: unknown.

Illumina Laboratory Services, Illumina
Classification: Uncertain significance for Cholestanol storage disease. Last evaluated: 2018-01-13. Review status: criteria provided, single submitter. Criteria: ICSL Variant Classification Criteria 13 December 2019. Collection method: clinical testing. Allele origin: germline.

Eurofins Ntd Llc (ga)
Classification: Uncertain significance. Last evaluated: 2016-04-28. Review status: criteria provided, single submitter. Criteria: EGL Classification Definitions 2015. Collection method: clinical testing. Allele origin: germline. Observed: 1 variant allele, 1 heterozygote.

NM_000784.4(CYP27A1):c.241C>A (p.Leu81Met)

Gene: CYP27A1 (cytochrome P450 family 27 subfamily A member 1; plus strand). Cytogenetic location: 2q35.
Variant type: single nucleotide variant.
Coding change: c.241C>A on transcript NM_000784.4 (MANE Select); coding-DNA position 241, C replaced by A.
Protein change: p.Leu81Met; replaces leucine 81 with methionine.
Molecular consequence: missense variant.
Genome position (GRCh38, 1-based): chr2:218,782,423, C>A. VCF-style: chr2-218782423-C-A. GRCh37 (hg19) VCF-style: chr2-219647146-C-A.
Other names: p.Leu81Met; short protein forms L81M.
Identifiers: ClinVar variation 287315 (VCV000287315.17), dbSNP rs370498798, ClinGen allele CA2112538.